The following is an entry in ClinVar:

NM_004667.6(HERC2):c.11667A>G (p.Lys3889=)

Gene: HERC2 (HECT and RLD domain containing E3 ubiquitin protein ligase 2; minus strand). Cytogenetic location: 15q13.1.
Variant type: single nucleotide variant.
Coding change: c.11667A>G on transcript NM_004667.6 (MANE Select); coding-DNA position 11667, A replaced by G.
Protein change: p.Lys3889=; no amino-acid change (lysine 3889 retained).
Molecular consequence: synonymous variant.
Genome position (GRCh38, 1-based): chr15:28,142,271, T>C on the plus strand (A>G on the coding strand, the complement: HERC2 is on the minus strand). VCF-style: chr15-28142271-T-C. GRCh37 (hg19) VCF-style: chr15-28387417-T-C.
Identifiers: ClinVar variation 3067230 (VCV003067230.21), dbSNP rs202215092, ClinGen allele CA7440518.

ClinVar aggregate classification (germline): Likely benign (1 of 4 stars; one submission).

Allele frequency attached by ClinVar (database versions not stated): gnomAD exomes 0.00009; ExAC 0.00012; gnomAD 0.00012; 1000 Genomes Project 30x 0.00016; 1000 Genomes Project 0.00020; TOPMed 0.00020; ESP Exome Variant Server 0.00023.
gnomAD v4.1: 163 of 1,614,228 alleles (0.01%); highest among the groups gnomAD compares: Admixed American, 0.037%; no homozygotes.

Submission:

CeGaT Center for Human Genetics Tuebingen
Classification: Likely benign. Last evaluated: 2024-03-01. Review status: criteria provided, single submitter. Criteria: CeGaT Center For Human Genetics Tuebingen Variant Classification Criteria Version 2. Collection method: clinical testing. Allele origin: germline. Affected: yes. Observed: 1 variant allele.
Comment: HERC2: BP4, BP7